The following is an entry in ClinVar:

NM_000261.2(MYOC):c.864C>G (p.Ile288Met)

Gene: MYOC (myocilin; minus strand). Cytogenetic location: 1q24.3.
Variant type: single nucleotide variant.
Coding change: c.864C>G on transcript NM_000261.2 (MANE Select); coding-DNA position 864, C replaced by G.
Protein change: p.Ile288Met; replaces isoleucine 288 with methionine.
Molecular consequence: missense variant.
Genome position (GRCh38, 1-based): chr1:171,636,576, G>C on the plus strand (C>G on the coding strand, the complement: MYOC is on the minus strand). VCF-style: chr1-171636576-G-C. GRCh37 (hg19) VCF-style: chr1-171605716-G-C.
Other names: NM_000261.2:c.864C>G; short protein forms I288M.
Identifiers: ClinVar variation 2442268 (VCV002442268.2), dbSNP rs181923440, ClinGen allele CA343725776.

ClinVar aggregate classification (germline): Uncertain significance (3 of 4 stars; one submission).

Conditions:
Open-angle glaucoma. Identifiers: MedGen C0017612, MONDO:0005338, HP:0012108.

Submission:

ClinGen Glaucoma Variant Curation Expert Panel
Classification: Uncertain significance for Open-angle glaucoma. Last evaluated: 2025-12-03. Review status: reviewed by expert panel. Criteria: ClinGen Glaucoma ACMG Specifications V2.0.0 Approved. Collection method: curation. Allele origin: germline. Inheritance: Autosomal dominant inheritance.
Comment: The c.864C>G variant in MYOC is a missense variant predicted to cause substitution of Isoleucine by Methionine at amino acid 288 (p.Ile288Met). This variant was not found in any genetic ancestry group of gnomAD (v4.1.0), meeting the ≤ 0.0001 threshold set for PM2_Supporting in a genetic ancestry group of at least 10,000 alleles. The REVEL score = 0.309, which was neither above nor below the thresholds for PP3 (≥ 0.644) or BP4 (≤ 0.290), predicting a damaging or benign impact on MYOC function. There was no functional evidence predicting a damaging or benign impact of this variant on MYOC function. Only 1 proband with primary open angle glaucoma had been reported (PMID: 21426841), not meeting the ≥ 2 probands threshold required to meet PS4_Supporting. In summary, this variant met the criteria to receive a score of 1 and to be classified as a variant of uncertain significance (uncertain significance classification range -1 to 5, adapted from PMID: 32720330) for primary open angle glaucoma based on the ACMG/AMP criteria met, as specified by the ClinGen Glaucoma VCEP (v2.0.0, 5 Dec 2024): PM2_Supporting